The following is an entry in ClinVar:

NM_001042492.3(NF1):c.3617A>G (p.Glu1206Gly)

Gene: NF1 (neurofibromin 1; plus strand). Cytogenetic location: 17q11.2.
Variant type: single nucleotide variant.
Coding change: c.3617A>G on transcript NM_001042492.3 (MANE Select); coding-DNA position 3617, A replaced by G.
Protein change: p.Glu1206Gly; replaces glutamic acid 1206 with glycine.
Molecular consequence: missense variant.
Genome position (GRCh38, 1-based): chr17:31,233,122, A>G. VCF-style: chr17-31233122-A-G. GRCh37 (hg19) VCF-style: chr17-29560140-A-G.
Other names: c.3617A>G, p.Glu1206Gly (NM_000267.4); short protein forms E1206G.
Identifiers: ClinVar variation 823995 (VCV000823995.7), dbSNP rs1597720070, ClinGen allele CA398990323.

ClinVar aggregate classification (germline): Uncertain significance. Review status: criteria provided, multiple submitters, no conflicts (2 of 4 stars). 2 submissions from 2 submitters: Uncertain significance (2). Last evaluated 2023-11-11.

Conditions:
Hereditary cancer-predisposing syndrome. Also called: Neoplastic Syndromes, Hereditary; Hereditary Cancer Syndrome; Hereditary neoplastic syndrome; Tumor predisposition. Identifiers: Orphanet 140162, MedGen C0027672, MeSH D009386, MONDO:0015356.
Cardiovascular phenotype. Identifiers: MedGen CN230736.
Neurofibromatosis, type 1 (NF1). Also called: Neurofibromatosis, type I; Peripheral type neurofibromatosis; VON RECKLINGHAUSEN DISEASE; NEUROFIBROMATOSIS, TYPE I, SOMATIC. Identifiers: Orphanet 636, MedGen C0027831, MONDO:0018975, OMIM 162200. Disease mechanism: loss of function.

Submissions (2):

Labcorp Genetics (formerly Invitae), Labcorp
Classification: Uncertain significance for Neurofibromatosis, type 1. Last evaluated: 2023-11-11. Review status: criteria provided, single submitter. Criteria: Invitae Variant Classification Sherloc (09022015). Collection method: clinical testing. Allele origin: germline.
Comment: This sequence change replaces glutamic acid, which is acidic and polar, with glycine, which is neutral and non-polar, at codon 1206 of the NF1 protein (p.Glu1206Gly). This variant is not present in population databases (gnomAD no frequency). This variant has not been reported in the literature in individuals affected with NF1-related conditions. ClinVar contains an entry for this variant (Variation ID: 823995). Advanced modeling of protein sequence and biophysical properties (such as structural, functional, and spatial information, amino acid conservation, physicochemical variation, residue mobility, and thermodynamic stability) performed at Invitae indicates that this missense variant is expected to disrupt NF1 protein function with a positive predictive value of 95%. In summary, the available evidence is currently insufficient to determine the role of this variant in disease. Therefore, it has been classified as a Variant of Uncertain Significance.

Ambry Genetics
Classification: Uncertain significance for Cardiovascular phenotype; Hereditary cancer-predisposing syndrome. Last evaluated: 2018-01-24. Review status: criteria provided, single submitter. Criteria: Ambry Variant Classification Scheme 2023. Collection method: clinical testing. Allele origin: germline.
Comment: The p.E1206G variant (also known as c.3617A>G), located in coding exon 27 of the NF1 gene, results from an A to G substitution at nucleotide position 3617. The glutamic acid at codon 1206 is replaced by glycine, an amino acid with similar properties. This amino acid position is highly conserved in available vertebrate species. In addition, this alteration is predicted to be deleterious by in silico analysis. Since supporting evidence is limited at this time, the clinical significance of this alteration remains unclear.